The following is an entry in ClinVar:

ClinVar aggregate classification (germline): Uncertain significance (1 of 4 stars; one submission).

Conditions:
Inborn genetic diseases. Identifiers: MedGen C0950123, MeSH D030342.

Submission:

Ambry Genetics
Classification: Uncertain significance for Inborn genetic diseases. Last evaluated: 2026-05-28. Review status: criteria provided, single submitter. Criteria: Ambry Variant Classification Scheme 2023. Collection method: clinical testing. Allele origin: germline.
Comment: The p.A243S variant (also known as c.727G>T), located in coding exon 3 of the FANCM gene, results from a G to T substitution at nucleotide position 727. The alanine at codon 243 is replaced by serine, an amino acid with similar properties. This amino acid position is conserved. In addition, this alteration is predicted to be tolerated by in silico analysis. Based on the available evidence, the clinical significance of this variant remains unclear.

NM_020937.4(FANCM):c.727G>T (p.Ala243Ser)

Gene: FANCM (FA complementation group M; plus strand). Cytogenetic location: 14q21.2.
Variant type: single nucleotide variant.
Coding change: c.727G>T on transcript NM_020937.4 (MANE Select); coding-DNA position 727, G replaced by T.
Protein change: p.Ala243Ser; replaces alanine 243 with serine.
Molecular consequence: missense variant. On other transcripts: intron variant (1).
Genome position (GRCh38, 1-based): chr14:45,140,677, G>T. VCF-style: chr14-45140677-G-T. GRCh37 (hg19) VCF-style: chr14-45609880-G-T.
Other names: c.727G>T, p.Ala243Ser (NM_001308134.2); c.681+3436G>T (NM_001308133.2); short protein forms A243S.
Identifiers: ClinVar variation 4871166 (VCV004871166.1).
Genomic context (GRCh38, chr14:45,140,677, plus strand): 5'-TTTTTTTTTCTTAAGGTTGTAAGAGAACTAGTCAAATATACAAATCACTTTAGAATCTTG[G>T]CTCTAAGTGCCACACCAGGTAGTGATATAAAGGTAAGTAAAATGTTTTTCCATTTATTAC-3'
Protein context (NP_065988.1, residues 233-253): VKYTNHFRIL[Ala243Ser]LSATPGSDIK